The following is an entry in ClinVar:

NM_000051.4(ATM):c.5497G>A (p.Val1833Met)

Gene: ATM (ATM serine/threonine kinase; plus strand). Cytogenetic location: 11q22.3.
Variant type: single nucleotide variant.
Coding change: c.5497G>A on transcript NM_000051.4 (MANE Select); coding-DNA position 5497, G replaced by A.
Protein change: p.Val1833Met; replaces valine 1833 with methionine.
Molecular consequence: missense variant.
Genome position (GRCh38, 1-based): chr11:108,304,675, G>A. VCF-style: chr11-108304675-G-A. GRCh37 (hg19) VCF-style: chr11-108175402-G-A.
Other names: c.5497G>A, p.Val1833Met (NM_001351834.2); short protein forms V1833M.
Identifiers: ClinVar variation 1469269 (VCV001469269.6), dbSNP rs2135942364, ClinGen allele CA382545629.

ClinVar aggregate classification (germline): Uncertain significance (1 of 4 stars; one submission).

Conditions:
Ataxia-telangiectasia syndrome (AT). Also called: Ataxia-telangiectasia, complementation group D; AT, COMPLEMENTATION GROUP C; Cerebello-oculocutaneous telangiectasia; Immunodeficiency with ataxia telangiectasia; Ataxia-telangiectasia, complementation group E; LOUIS-BAR SYNDROME. Identifiers: Orphanet 100, MedGen C0004135, MONDO:0008840, OMIM 208900.

Submission:

Labcorp Genetics (formerly Invitae), Labcorp
Classification: Uncertain significance for Ataxia-telangiectasia syndrome. Last evaluated: 2021-11-19. Review status: criteria provided, single submitter. Criteria: Invitae Variant Classification Sherloc (09022015). Collection method: clinical testing. Allele origin: germline.
Comment: In summary, the available evidence is currently insufficient to determine the role of this variant in disease. Therefore, it has been classified as a Variant of Uncertain Significance. Algorithms developed to predict the effect of missense changes on protein structure and function are either unavailable or do not agree on the potential impact of this missense change (SIFT: "Deleterious"; PolyPhen-2: "Possibly Damaging"; Align-GVGD: "Class C0"). This variant has not been reported in the literature in individuals affected with ATM-related conditions. This variant is not present in population databases (gnomAD no frequency). This sequence change replaces valine, which is neutral and non-polar, with methionine, which is neutral and non-polar, at codon 1833 of the ATM protein (p.Val1833Met).